The following is an entry in ClinVar:

NM_015166.4(MLC1):c.-59-14T>A

Gene: MLC1 (modulator of VRAC current 1; minus strand). Cytogenetic location: 22q13.33.
Variant type: single nucleotide variant.
Coding change: c.-59-14T>A on transcript NM_015166.4 (MANE Select); 14 bases into the intron before 59 bases upstream of the start codon, T replaced by A.
Molecular consequence: intron variant. On other transcripts: 5 prime UTR variant (2), non-coding transcript variant (1).
Genome position (GRCh38, 1-based): chr22:50,084,975, A>T on the plus strand (T>A on the coding strand, the complement: MLC1 is on the minus strand). VCF-style: chr22-50084975-A-T. GRCh37 (hg19) VCF-style: chr22-50523404-A-T.
Other names: NC_000022.10:g.50523404A>T; c.-73T>A (NM_001376472.1, NM_001376477.1); c.-59-14T>A (NM_001376474.1, NM_001376475.1, NM_001376476.1 and 8 more transcripts); c.-59+380T>A (NM_001376484.1).
Identifiers: ClinVar variation 901976 (VCV000901976.5), dbSNP rs141840641, ClinGen allele CA325498135.
Genomic context (GRCh38, chr22:50,084,975, plus strand): 5'-CACCACAGCTGTGCTGAATGTACAGCCACGTGTCACCAGTTCTTTATCTGGAATAAAATT[A>T]TCATCGGCTTTGGCCACTCTGAGGAAACTTCAATAAGTTGTTTCCAAGAAATATTTTTTA-3'

ClinVar aggregate classification (germline): Benign (1 of 4 stars; one submission).

Conditions:
Megalencephalic leukoencephalopathy with subcortical cysts 1 (MLC1). Also called: VACUOLATING MEGALENCEPHALIC LEUKOENCEPHALOPATHY WITH SUBCORTICAL CYSTS; LEUKOENCEPHALOPATHY WITH SWELLING AND CYSTS. Identifiers: Orphanet 2478, MedGen C5779875, MONDO:0024555, OMIM 604004.

Allele frequency attached by ClinVar (database versions not stated): gnomAD exomes 0.00011; TOPMed 0.00098; 1000 Genomes Project 30x 0.00141; 1000 Genomes Project 0.00180.
gnomAD v4.1: 346 of 1,586,924 alleles (0.022%); highest among the groups gnomAD compares: African/African-American, 0.43%; 2 homozygotes.

Submissions (2):

Illumina Laboratory Services, Illumina
Classification: Benign for Megalencephalic leukoencephalopathy with subcortical cysts 1. Last evaluated: 2018-03-26. Review status: criteria provided, single submitter. Criteria: ICSL Variant Classification Criteria 13 December 2019. Collection method: clinical testing. Allele origin: germline.
Comment: This variant was observed in the ICSL laboratory as part of a predisposition screen in an ostensibly healthy population. It had not been previously curated by ICSL or reported in the Human Gene Mutation Database (HGMD: prior to June 1st, 2018), and was therefore a candidate for classification through an automated scoring system. Utilizing variant allele frequency, disease prevalence and penetrance estimates, and inheritance mode, an automated score was calculated to assess if this variant is too frequent to cause the disease. Based on the score and internal cut-off values, a variant classified as benign is not then subjected to further curation. The score for this variant resulted in a classification of benign for this disease.

Dr. Peter K. Rogan Lab, Western University
No classification provided (evidence only). Condition: Acute myeloid leukemia. Review status: no classification provided. Collection method: in vitro. Allele origin: not applicable. Functional consequence: retained intron. Not counted in ClinVar's aggregate classification.